The following is an entry in ClinVar:

NM_020461.4(TUBGCP6):c.2198G>C (p.Ser733Thr)

Gene: TUBGCP6 (tubulin gamma complex component 6; minus strand). Cytogenetic location: 22q13.33.
Variant type: single nucleotide variant.
Coding change: c.2198G>C on transcript NM_020461.4 (MANE Select); coding-DNA position 2198, G replaced by C.
Protein change: p.Ser733Thr; replaces serine 733 with threonine.
Molecular consequence: missense variant.
Genome position (GRCh38, 1-based): chr22:50,224,213, C>G on the plus strand (G>C on the coding strand, the complement: TUBGCP6 is on the minus strand). VCF-style: chr22-50224213-C-G. GRCh37 (hg19) VCF-style: chr22-50662642-C-G.
Other names: short protein forms S733T.
Identifiers: ClinVar variation 437156 (VCV000437156.8), dbSNP rs1422096763, ClinGen allele CA412102392.

ClinVar aggregate classification (germline): Uncertain significance. Review status: criteria provided, multiple submitters, no conflicts (2 of 4 stars). 3 submissions from 3 submitters: Uncertain significance (3). Last evaluated 2023-10-18.

Conditions:
Microcephaly and chorioretinopathy 1. Also called: Microcephaly and chorioretinopathy, autosomal recessive, 1. Identifiers: MedGen C3278481, MONDO:0009624, OMIM 251270.

Allele frequency attached by ClinVar (database versions not stated): TOPMed 0.00001.

Submissions (3):

Blueprint Genetics
Classification: Uncertain significance. Last evaluated: 2023-10-18. Review status: criteria provided, single submitter. Criteria: ACMG Guidelines, 2015. Collection method: clinical testing. Allele origin: germline.

Baylor Genetics
Classification: Uncertain significance for Microcephaly and chorioretinopathy 1. Last evaluated: 2019-04-11. Review status: criteria provided, single submitter. Criteria: ACMG Guidelines, 2015. Collection method: clinical testing. Allele origin: unknown. Affected: yes.
Comment: This variant was determined to be of uncertain significance according to ACMG Guidelines, 2015 [PMID:25741868].

Genetic Services Laboratory, University of Chicago
Classification: Uncertain significance. Last evaluated: 2016-06-10. Review status: criteria provided, single submitter. Criteria: ACMG Guidelines, 2015. Collection method: clinical testing. Allele origin: germline. Affected: no.